The following is an entry in ClinVar:

ClinVar aggregate classification (germline): Uncertain significance (1 of 4 stars; one submission).

Conditions:
Focal segmental glomerulosclerosis 5 (FSGS5). Identifiers: Orphanet 656, MedGen C2750475, MONDO:0013191, OMIM 613237.
Charcot-Marie-Tooth disease dominant intermediate E. Also called: CHARCOT-MARIE-TOOTH NEUROPATHY WITH FOCAL SEGMENTAL GLOMERULONEPHRITIS. Identifiers: Orphanet 93114, MedGen C4302667, MONDO:0013758, OMIM 614455.

Allele frequency attached by ClinVar (database versions not stated): TOPMed below 0.00001; gnomAD 0.00001.
gnomAD v4.1: 2 of 1,613,538 alleles (0.00012%); highest among the groups gnomAD compares: African/African-American, 0.0027%; no homozygotes.

Submission:

Labcorp Genetics (formerly Invitae), Labcorp
Classification: Uncertain significance for Charcot-Marie-Tooth disease dominant intermediate E; Focal segmental glomerulosclerosis 5. Last evaluated: 2021-08-31. Review status: criteria provided, single submitter. Criteria: Invitae Variant Classification Sherloc (09022015). Collection method: clinical testing. Allele origin: germline.
Comment: This sequence change replaces aspartic acid with asparagine at codon 1238 of the INF2 protein (p.Asp1238Asn). The aspartic acid residue is weakly conserved and there is a small physicochemical difference between aspartic acid and asparagine. This variant is not present in population databases (ExAC no frequency). This variant has not been reported in the literature in individuals affected with INF2-related conditions. Algorithms developed to predict the effect of missense changes on protein structure and function are either unavailable or do not agree on the potential impact of this missense change (SIFT: "Tolerated"; PolyPhen-2: "Not Available"; Align-GVGD: "Class C0"). In summary, the available evidence is currently insufficient to determine the role of this variant in disease. Therefore, it has been classified as a Variant of Uncertain Significance.

NM_022489.4(INF2):c.3712G>A (p.Asp1238Asn)

Gene: INF2 (inverted formin 2; plus strand). Cytogenetic location: 14q32.33.
Variant type: single nucleotide variant.
Coding change: c.3712G>A on transcript NM_022489.4 (MANE Select); coding-DNA position 3712, G replaced by A.
Protein change: p.Asp1238Asn; replaces aspartic acid 1238 with asparagine.
Molecular consequence: missense variant. On other transcripts: intron variant (1).
Genome position (GRCh38, 1-based): chr14:104,715,301, G>A. VCF-style: chr14-104715301-G-A. GRCh37 (hg19) VCF-style: chr14-105181638-G-A.
Other names: c.3694+445G>A (NM_001031714.4); short protein forms D1238N.
Identifiers: ClinVar variation 1385172 (VCV001385172.6), dbSNP rs1290467030, ClinGen allele CA391226203.